The following is an entry in ClinVar:

ClinVar aggregate classification (germline): Uncertain significance (1 of 4 stars; one submission).

Conditions:
Combined immunodeficiency due to CTPS1 deficiency. Also called: Immunodeficiency 24; Severe combined immunodeficiency due to CTPS1 deficiency. Identifiers: Orphanet 420573, MedGen C4014617, MONDO:0014391, OMIM 615897.

Allele frequency attached by ClinVar (database versions not stated): TOPMed 0.00002.
gnomAD v4.1: 1 of 1,613,778 alleles (0.000062%); highest among the groups gnomAD compares: African/African-American, 0.0013%; no homozygotes.

Submission:

Labcorp Genetics (formerly Invitae), Labcorp
Classification: Uncertain significance for Combined immunodeficiency due to CTPS1 deficiency. Last evaluated: 2022-09-01. Review status: criteria provided, single submitter. Criteria: Invitae Variant Classification Sherloc (09022015). Collection method: clinical testing. Allele origin: germline.
Comment: In summary, the available evidence is currently insufficient to determine the role of this variant in disease. Therefore, it has been classified as a Variant of Uncertain Significance. Algorithms developed to predict the effect of missense changes on protein structure and function (SIFT, PolyPhen-2, Align-GVGD) all suggest that this variant is likely to be tolerated. ClinVar contains an entry for this variant (Variation ID: 665086). This variant has not been reported in the literature in individuals affected with CTPS1-related conditions. This variant is not present in population databases (gnomAD no frequency). This sequence change replaces methionine, which is neutral and non-polar, with isoleucine, which is neutral and non-polar, at codon 464 of the CTPS1 protein (p.Met464Ile).

NM_001905.4(CTPS1):c.1392G>C (p.Met464Ile)

Genes: CTPS1 (CTP synthase 1; plus strand), LOC126805717 (MED14-independent group 3 enhancer GRCh37_chr1:41472557-41473756; plus strand). Cytogenetic location: 1p34.2.
Variant type: single nucleotide variant.
Coding change: c.1392G>C on transcript NM_001905.4 (MANE Select); coding-DNA position 1392, G replaced by C.
Protein change: p.Met464Ile; replaces methionine 464 with isoleucine.
Molecular consequence: missense variant. On other transcripts: non-coding transcript variant (1).
Genome position (GRCh38, 1-based): chr1:41,007,544, G>C. VCF-style: chr1-41007544-G-C. GRCh37 (hg19) VCF-style: chr1-41473216-G-C.
Other names: c.924G>C, p.Met308Ile (NM_001301237.2); short protein forms M308I, M464I.
Identifiers: ClinVar variation 665086 (VCV000665086.9), dbSNP rs773684585, ClinGen allele CA21150023.
Genomic context (GRCh38, chr1:41,007,544, plus strand): 5'-GGGCGGAACCATGAGGCTGGGCAAGAGGAGAACCCTGTTCCAGACCAAGAACTCAGTCAT[G>C]AGTAAGAGCTGCCTCACGCTGGCCCAGCCTTTGGCTCTGCGTGCCCAGGACGCGTGTCTT-3'
Protein context (NP_001896.2, residues 454-474): RTLFQTKNSV[Met464Ile]RKLYGDADYL